The following is an entry in ClinVar:

NM_025243.4(SLC19A3):c.466G>A (p.Val156Met)

Gene: SLC19A3 (solute carrier family 19 member 3; minus strand). Cytogenetic location: 2q36.3.
Variant type: single nucleotide variant.
Coding change: c.466G>A on transcript NM_025243.4 (MANE Select); coding-DNA position 466, G replaced by A.
Protein change: p.Val156Met; replaces valine 156 with methionine.
Molecular consequence: missense variant.
Genome position (GRCh38, 1-based): chr2:227,699,249, C>T on the plus strand (G>A on the coding strand, the complement: SLC19A3 is on the minus strand). VCF-style: chr2-227699249-C-T. GRCh37 (hg19) VCF-style: chr2-228563965-C-T.
Other names: short protein forms V156M.
Identifiers: ClinVar variation 502000 (VCV000502000.11), dbSNP rs774845903, ClinGen allele CA2149290.
Genomic context (GRCh38, chr2:227,699,249, plus strand): 5'-ATATGACGTTGAGGTAAAAGTACGACATGTTCGCCAGGGATACCAAGAGTTGAGCCAGCA[C>T]CGACCCTGCTGTGTAGGCGGCCAGCGTGACGCTCCTGCAGTAGCCGCTCACTCTCTGGTA-3'
Protein context (NP_079519.1, residues 146-166): VTLAAYTAGS[Val156Met]LAQLLVSLAN

ClinVar aggregate classification (germline): Uncertain significance. Review status: criteria provided, multiple submitters, no conflicts (2 of 4 stars). 2 submissions from 2 submitters: Uncertain significance (2). Last evaluated 2022-06-04.

Conditions:
Biotin-responsive basal ganglia disease (BTBGD). Also called: Thiamine metabolism dysfunction syndrome type 2; Thiamine Transporter-2 Deficiency; thiamine-responsive encephalopathy; Thiamine metabolism dysfunction syndrome 2 (biotin- or thiamine-responsive encephalopathy type 2); THIAMINE METABOLISM DYSFUNCTION SYNDROME 2 (BIOTIN- AND THIAMINE-RESPONSIVE TYPE). Identifiers: Orphanet 199348, Orphanet 65284, MedGen C1843807, MONDO:0011841, OMIM 607483.

Allele frequency attached by ClinVar (database versions not stated): gnomAD exomes below 0.00001; ExAC 0.00001.

Submissions (2):

Labcorp Genetics (formerly Invitae), Labcorp
Classification: Uncertain significance for Biotin-responsive basal ganglia disease. Last evaluated: 2022-06-04. Review status: criteria provided, single submitter. Criteria: Invitae Variant Classification Sherloc (09022015). Collection method: clinical testing. Allele origin: germline.
Comment: This sequence change replaces valine, which is neutral and non-polar, with methionine, which is neutral and non-polar, at codon 156 of the SLC19A3 protein (p.Val156Met). This variant is present in population databases (rs774845903, gnomAD 0.003%). This variant has not been reported in the literature in individuals affected with SLC19A3-related conditions. ClinVar contains an entry for this variant (Variation ID: 502000). Advanced modeling of protein sequence and biophysical properties (such as structural, functional, and spatial information, amino acid conservation, physicochemical variation, residue mobility, and thermodynamic stability) performed at Invitae indicates that this missense variant is expected to disrupt SLC19A3 protein function. In summary, the available evidence is currently insufficient to determine the role of this variant in disease. Therefore, it has been classified as a Variant of Uncertain Significance.

Eurofins Ntd Llc (ga)
Classification: Uncertain significance. Last evaluated: 2017-05-22. Review status: criteria provided, single submitter. Criteria: EGL Classification Definitions 2015. Collection method: clinical testing. Allele origin: germline. Observed: 1 variant allele, 1 heterozygote.